The following is an entry in ClinVar:

ClinVar aggregate classification (germline): Pathogenic (1 of 4 stars; one submission).

Conditions:
Wilms tumor 1 (WT1). Also called: Wilms tumor, somatic. Identifiers: Orphanet 654, MedGen CN033288, MONDO:0008679, OMIM 194070.
Drash syndrome (DDS). Also called: NEPHROPATHY, WILMS TUMOR, AND GENITAL ANOMALIES; WILMS TUMOR AND PSEUDO- OR TRUE HERMAPHRODITISM. Identifiers: Orphanet 220, MedGen C0950121, MONDO:0008682, OMIM 194080.
11p partial monosomy syndrome (WAGR). Also called: WAGR Spectrum Disorder; CHROMOSOME 11p13 DELETION SYNDROME; WAGR syndrome; WAGR Complex. Identifiers: Orphanet 893, MedGen C0206115, MONDO:0008681, OMIM 194072.
Frasier syndrome. Identifiers: Orphanet 347, MedGen C0950122, MeSH D052159, MONDO:0007635, OMIM 136680.

Submission:

Labcorp Genetics (formerly Invitae), Labcorp
Classification: Pathogenic for Wilms tumor 1; Drash syndrome; 11p partial monosomy syndrome; Frasier syndrome. Last evaluated: 2023-05-08. Review status: criteria provided, single submitter. Criteria: Invitae Variant Classification Sherloc (09022015). Collection method: clinical testing. Allele origin: germline.
Comment: This missense change has been observed in individual(s) with clinical features of WT1-related conditions (PMID: 25349199; Invitae). In at least one individual the variant was observed to be de novo. For these reasons, this variant has been classified as Pathogenic. An algorithm developed to predict the effect of missense changes on protein structure and function (PolyPhen-2) suggests that this variant is likely to be disruptive. ClinVar contains an entry for this variant (Variation ID: 476687). This variant is not present in population databases (gnomAD no frequency). This sequence change replaces histidine, which is basic and polar, with tyrosine, which is neutral and polar, at codon 465 of the WT1 protein (p.His465Tyr).

Literature cited by the submitters: PubMed 25349199.

NM_024426.6(WT1):c.1408C>T (p.His470Tyr)

Gene: WT1 (WT1 transcription factor; minus strand). Cytogenetic location: 11p13.
Variant type: single nucleotide variant.
Coding change: c.1408C>T on transcript NM_024426.6 (MANE Select); coding-DNA position 1408, C replaced by T.
Protein change: p.His470Tyr; replaces histidine 470 with tyrosine.
Molecular consequence: missense variant. On other transcripts: non-coding transcript variant (1).
Genome position (GRCh38, 1-based): chr11:32,392,011, G>A on the plus strand (C>T on the coding strand, the complement: WT1 is on the minus strand). VCF-style: chr11-32392011-G-A. GRCh37 (hg19) VCF-style: chr11-32413557-G-A.
Other names: c.706C>T, p.His236Tyr (NM_001198552.2); c.220C>T, p.His74Tyr (NM_001367854.1); c.1402C>T, p.His468Tyr (NM_001407044.1); c.1357C>T, p.His453Tyr (NM_001407045.1, NM_000378.6); c.1285C>T, p.His429Tyr (NM_001407047.1); c.1408C>T, p.His470Tyr (NM_024424.5); c.1342C>T, p.His448Tyr (NM_024425.2); c.1267C>T, p.His423Tyr (NM_001407048.1); and 3 more; short protein forms H253Y, H470Y, H74Y, H236Y, H453Y, H412Y, H468Y, H216Y.
Identifiers: ClinVar variation 476687 (VCV000476687.4), dbSNP rs1554939072, ClinGen allele CA379958818.